The following is an entry in ClinVar:

NM_000492.4(CFTR):c.1766+5G>A

Gene: CFTR (CF transmembrane conductance regulator; plus strand). Cytogenetic location: 7q31.2.
Variant type: single nucleotide variant.
Coding change: c.1766+5G>A on transcript NM_000492.4 (MANE Select); 5 bases into the intron after coding-DNA position 1766, G replaced by A.
Molecular consequence: intron variant.
Genome position (GRCh38, 1-based): chr7:117,590,444, G>A. VCF-style: chr7-117590444-G-A. GRCh37 (hg19) VCF-style: chr7-117230498-G-A.
Identifiers: ClinVar variation 53380 (VCV000053380.3), dbSNP rs121908796, ClinGen allele CA326662.

ClinVar aggregate classification (germline): Pathogenic/Likely pathogenic. Review status: criteria provided, multiple submitters, no conflicts (2 of 4 stars). 3 submissions from 3 submitters: Pathogenic (1); Likely pathogenic (1). 1 of the submissions does not count toward it. Last evaluated 2024-04-15.

Conditions:
CFTR-related disorder (CFTR-RD). Also called: CFTR-related condition; CFTR-related disorders. Identifiers: MedGen C5924204, MONDO:7770004.
Cystic fibrosis (CF). Also called: MUCOVISCIDOSIS. Identifiers: Orphanet 586, MedGen C0010674, MONDO:0009061, OMIM 219700. Disease mechanism: loss of function.

Submissions (3):

Natera, Inc.
Classification: Likely pathogenic for CFTR-related disorders. Last evaluated: 2024-04-15. Review status: criteria provided, single submitter. Criteria: Natera Variant Classification Schema (03/2026). Collection method: clinical testing. Allele origin: germline.
Comment: The c.1766+5G>A variant in CFTR is an intronic variant located outside the canonical splice sites. This variant is rare in the general population with a frequency below the threshold expected for the associated phenotype(s). This variant has been observed in one or more individuals affected with the associated recessive disease, as either homozygous or compound heterozygous with a second variant (PMID: 27086061, 34831330). Functional studies show that this variant may disrupt protein function (PMID: 23381846). Given the available evidence, this variant is classified as Likely Pathogenic.

CFTR-France
Classification: Pathogenic for cystic fibrosis. Last evaluated: 2018-01-29. Review status: criteria provided, single submitter. Criteria: Claustres M et al. (Hum Mutat 2017). Collection method: curation. Allele origin: germline. Affected: yes.

ClinVar Staff, National Center for Biotechnology Information (NCBI)
No classification provided. Condition: CFTR-related disorders. Review status: no classification provided. Collection method: literature only. Allele origin: germline. Affected: yes. Not counted in ClinVar's aggregate classification.

Literature cited by the submitters: PubMed 27086061 (cited by Natera, Inc.); PubMed 34831330 (cited by Natera, Inc.); PubMed 23381846 (cited by Natera, Inc.); PubMed 11379874 (cited by ClinVar Staff, National Center for Biotechnology Information (NCBI)).